The following is an entry in ClinVar:

NM_006231.4(POLE):c.4892G>C (p.Arg1631Pro)

Gene: POLE (DNA polymerase epsilon, catalytic subunit; minus strand). Cytogenetic location: 12q24.33.
Variant type: single nucleotide variant.
Coding change: c.4892G>C on transcript NM_006231.4 (MANE Select); coding-DNA position 4892, G replaced by C.
Protein change: p.Arg1631Pro; replaces arginine 1631 with proline.
Molecular consequence: missense variant.
Genome position (GRCh38, 1-based): chr12:132,642,566, C>G on the plus strand (G>C on the coding strand, the complement: POLE is on the minus strand). VCF-style: chr12-132642566-C-G. GRCh37 (hg19) VCF-style: chr12-133219152-C-G.
Other names: short protein forms R1631P.
Identifiers: ClinVar variation 1743868 (VCV001743868.2), dbSNP rs775590365, ClinGen allele CA387378004.

ClinVar aggregate classification (germline): Uncertain significance (1 of 4 stars; one submission).

Conditions:
Hereditary cancer-predisposing syndrome. Also called: Hereditary Cancer Syndrome; Neoplastic Syndromes, Hereditary; Tumor predisposition; Hereditary neoplastic syndrome. Identifiers: Orphanet 140162, MedGen C0027672, MeSH D009386, MONDO:0015356.

Submission:

Ambry Genetics
Classification: Uncertain significance for Hereditary cancer-predisposing syndrome. Last evaluated: 2022-01-26. Review status: criteria provided, single submitter. Criteria: Ambry Variant Classification Scheme 2023. Collection method: clinical testing. Allele origin: germline.
Comment: The p.R1631P variant (also known as c.4892G>C), located in coding exon 37 of the POLE gene, results from a G to C substitution at nucleotide position 4892. The arginine at codon 1631 is replaced by proline, an amino acid with dissimilar properties. This amino acid position is conserved. In addition, the in silico prediction for this alteration is inconclusive. Since supporting evidence is limited at this time, the clinical significance of this alteration remains unclear.